The following is an entry in ClinVar:

ClinVar aggregate classification (germline): Uncertain significance (1 of 4 stars; one submission).

Allele frequency attached by ClinVar (database versions not stated): TOPMed below 0.00001.

Submission:

Labcorp Genetics (formerly Invitae), Labcorp
Classification: Uncertain significance. Last evaluated: 2024-12-31. Review status: criteria provided, single submitter. Criteria: Invitae Variant Classification Sherloc (09022015). Collection method: clinical testing. Allele origin: germline.
Comment: This sequence change replaces proline, which is neutral and non-polar, with threonine, which is neutral and polar, at codon 1047 of the VCAN protein (p.Pro1047Thr). This variant is not present in population databases (gnomAD no frequency). This variant has not been reported in the literature in individuals affected with VCAN-related conditions. ClinVar contains an entry for this variant (Variation ID: 933771). An algorithm developed to predict the effect of missense changes on protein structure and function (PolyPhen-2) suggests that this variant is likely to be tolerated. In summary, the available evidence is currently insufficient to determine the role of this variant in disease. Therefore, it has been classified as a Variant of Uncertain Significance.

NM_004385.5(VCAN):c.3139C>A (p.Pro1047Thr)

Gene: VCAN (versican; plus strand). Cytogenetic location: 5q14.3.
Variant type: single nucleotide variant.
Coding change: c.3139C>A on transcript NM_004385.5 (MANE Select); coding-DNA position 3139, C replaced by A.
Protein change: p.Pro1047Thr; replaces proline 1047 with threonine.
Molecular consequence: missense variant. On other transcripts: intron variant (2).
Genome position (GRCh38, 1-based): chr5:83,521,445, C>A. VCF-style: chr5-83521445-C-A. GRCh37 (hg19) VCF-style: chr5-82817264-C-A.
Other names: c.3139C>A, p.Pro1047Thr (NM_001164098.2); c.1042+9049C>A (NM_001164097.2, NM_001126336.3); short protein forms P1047T.
Identifiers: ClinVar variation 933771 (VCV000933771.9), dbSNP rs751835963, ClinGen allele CA360305420.